The following is an entry in ClinVar:

NM_002291.3(LAMB1):c.4176C>T (p.Ala1392=)

Gene: LAMB1 (laminin subunit beta 1; minus strand). Cytogenetic location: 7q31.1.
Variant type: single nucleotide variant.
Coding change: c.4176C>T on transcript NM_002291.3 (MANE Select); coding-DNA position 4176, C replaced by T.
Protein change: p.Ala1392=; no amino-acid change (alanine 1392 retained).
Molecular consequence: synonymous variant.
Genome position (GRCh38, 1-based): chr7:107,935,427, G>A on the plus strand (C>T on the coding strand, the complement: LAMB1 is on the minus strand). VCF-style: chr7-107935427-G-A. GRCh37 (hg19) VCF-style: chr7-107575872-G-A.
Identifiers: ClinVar variation 733693 (VCV000733693.14), dbSNP rs143385719, ClinGen allele CA4435141.
Genomic context (GRCh38, chr7:107,935,427, plus strand): 5'-TTTTTTTGCTTGGCACCATAGCAGTAAGGCCACATCCCCAAACCTTACCATTTCGGCAGC[G>A]GCTGAAAGGTCTAGGCTTTGTAGCTTGCCTGCCAGTTCATCAAGGAGGCGAGCCTGCTCC-3'
Protein context (NP_002282.2, residues 1382-1402): AGKLQSLDLS[Ala1392=]AAEMTCGTPP

ClinVar aggregate classification (germline): Benign/Likely benign. Review status: criteria provided, multiple submitters, no conflicts (2 of 4 stars). 5 submissions from 5 submitters: Benign (2); Likely benign (2). 1 of the submissions does not count toward it. Last evaluated 2026-02-03.

Conditions:
LAMB1-related disorder. Also called: LAMB1-related condition.

Allele frequency attached by ClinVar (database versions not stated): ExAC 0.00030; gnomAD 0.00078 and 0.00082; ESP Exome Variant Server 0.00092; 1000 Genomes Project 30x 0.00094; TOPMed 0.00104; 1000 Genomes Project 0.00120.
gnomAD v4.1: 252 of 1,594,690 alleles (0.016%); highest among the groups gnomAD compares: African/African-American, 0.27%; 3 homozygotes.

Submissions (5):

Women's Health and Genetics/Laboratory Corporation of America, LabCorp
Classification: Likely benign. Last evaluated: 2026-02-03. Review status: criteria provided, single submitter. Criteria: LabCorp Variant Classification Summary - May 2015. Collection method: clinical testing. Allele origin: germline.

Labcorp Genetics (formerly Invitae), Labcorp
Classification: Benign. Last evaluated: 2025-03-24. Review status: criteria provided, single submitter. Criteria: Invitae Variant Classification Sherloc (09022015). Collection method: clinical testing. Allele origin: germline.

Blueprint Genetics
Classification: Likely benign. Last evaluated: 2024-07-18. Review status: criteria provided, single submitter. Criteria: ACMG Guidelines, 2015. Collection method: clinical testing. Allele origin: germline.

Breakthrough Genomics
Classification: Benign. Review status: criteria provided, single submitter. Criteria: ACMG Guidelines, 2015. Collection method: not provided. Allele origin: germline. Inheritance: Autosomal recessive inheritance. Affected: yes.

PreventionGenetics, part of Exact Sciences
Classification: Likely benign for LAMB1-related condition. Last evaluated: 2019-03-20. Review status: no assertion criteria provided. Collection method: clinical testing. Allele origin: germline. Not counted in ClinVar's aggregate classification.
Comment: This variant is classified as likely benign based on ACMG/AMP sequence variant interpretation guidelines (Richards et al. 2015 PMID: 25741868, with internal and published modifications).